The following is an entry in ClinVar:

ClinVar aggregate classification (germline): Uncertain significance (1 of 4 stars; one submission).

Allele frequency attached by ClinVar (database versions not stated): gnomAD exomes below 0.00001.
gnomAD v4.1: 1 of 1,612,992 alleles (0.000062%); highest among the groups gnomAD compares: South Asian, 0.0011%; no homozygotes.

Submission:

Labcorp Genetics (formerly Invitae), Labcorp
Classification: Uncertain significance. Last evaluated: 2021-10-12. Review status: criteria provided, single submitter. Criteria: Invitae Variant Classification Sherloc (09022015). Collection method: clinical testing. Allele origin: germline.
Comment: In summary, the available evidence is currently insufficient to determine the role of this variant in disease. Therefore, it has been classified as a Variant of Uncertain Significance. Variants that disrupt the consensus splice site are a relatively common cause of aberrant splicing (PMID: 17576681, 9536098). Algorithms developed to predict the effect of sequence changes on RNA splicing suggest that this variant is not likely to affect RNA splicing. This variant has not been reported in the literature in individuals affected with MTOR-related conditions. This variant is not present in population databases (ExAC no frequency). This sequence change falls in intron 7 of the MTOR gene. It does not directly change the encoded amino acid sequence of the MTOR protein. It affects a nucleotide within the consensus splice site.

Literature cited by the submitters: PubMed 17576681; PubMed 9536098.

NM_004958.4(MTOR):c.1116+3A>G

Gene: MTOR (mechanistic target of rapamycin kinase; minus strand). Cytogenetic location: 1p36.22.
Variant type: single nucleotide variant.
Coding change: c.1116+3A>G on transcript NM_004958.4 (MANE Select); 3 bases into the intron after coding-DNA position 1116, A replaced by G.
Molecular consequence: intron variant.
Genome position (GRCh38, 1-based): chr1:11,247,816, T>C on the plus strand (A>G on the coding strand, the complement: MTOR is on the minus strand). VCF-style: chr1-11247816-T-C. GRCh37 (hg19) VCF-style: chr1-11307873-T-C.
Other names: c.-24+3A>G (NM_001386501.1); c.1116+3A>G (NM_001386500.1).
Identifiers: ClinVar variation 1420551 (VCV001420551.6), dbSNP rs1269152620, ClinGen allele CA521454187.